The following is an entry in ClinVar:

NM_000081.4(LYST):c.5333AAG[1] (p.Glu1779del)

Gene: LYST (lysosomal trafficking regulator; minus strand). Cytogenetic location: 1q42.3.
Variant type: Microsatellite.
Coding change: c.5333AAG[1] on transcript NM_000081.4 (MANE Select); one copy of the 3-base unit AAG starting at c.5333; the reference has two copies in a row; one copy, 3 bases deleted.
Protein change: p.Glu1779del; deletes glutamic acid 1779.
Molecular consequence: inframe deletion.
Genome position (GRCh38, 1-based): chr1:235,777,185-235,777,187, CTT deleted on the plus strand (AAG on the coding strand, the reverse complement: LYST is on the minus strand); deleting any 3 consecutive bases within chr1:235,777,185-235,777,190 gives the same sequence; the position shown is the placement nearest the transcript's 3' end. VCF-style (leftmost placement, unchanged base first): chr1-235777184-ACTT-A. GRCh37 (hg19) VCF-style: chr1-235940484-ACTT-A.
Other names: c.5333AAG[1], p.Glu1779del (NM_001301365.1); short protein forms E1779del.
Identifiers: ClinVar variation 2114741 (VCV002114741.1), dbSNP rs2527994191, ClinGen allele CA2580611568.

ClinVar aggregate classification (germline): Uncertain significance (1 of 4 stars; one submission).

Conditions:
Chédiak-Higashi syndrome (CHS). Also called: Chediak-Higashi Syndrome. Identifiers: Orphanet 167, MedGen C0007965, MONDO:0008963, OMIM 214500.

Submission:

Labcorp Genetics (formerly Invitae), Labcorp
Classification: Uncertain significance for Chédiak-Higashi syndrome. Last evaluated: 2022-07-09. Review status: criteria provided, single submitter. Criteria: Invitae Variant Classification Sherloc (09022015). Collection method: clinical testing. Allele origin: germline.
Comment: This variant, c.5336_5338del, results in the deletion of 1 amino acid(s) of the LYST protein (p.Glu1779del), but otherwise preserves the integrity of the reading frame. This variant is not present in population databases (gnomAD no frequency). This variant has not been reported in the literature in individuals affected with LYST-related conditions. Experimental studies and prediction algorithms are not available or were not evaluated, and the functional significance of this variant is currently unknown. In summary, the available evidence is currently insufficient to determine the role of this variant in disease. Therefore, it has been classified as a Variant of Uncertain Significance.